The following is an entry in ClinVar:

NM_001127222.2(CACNA1A):c.869A>G (p.Tyr290Cys)

Gene: CACNA1A (calcium voltage-gated channel subunit alpha1 A; minus strand). Cytogenetic location: 19p13.13.
Variant type: single nucleotide variant.
Coding change: c.869A>G on transcript NM_001127222.2 (MANE Select); coding-DNA position 869, A replaced by G.
Protein change: p.Tyr290Cys; replaces tyrosine 290 with cysteine.
Molecular consequence: missense variant.
Genome position (GRCh38, 1-based): chr19:13,359,715, T>C on the plus strand (A>G on the coding strand, the complement: CACNA1A is on the minus strand). VCF-style: chr19-13359715-T-C. GRCh37 (hg19) VCF-style: chr19-13470529-T-C.
Other names: c.869A>G, p.Tyr290Cys (NM_000068.4, NM_001127221.2, NM_001174080.2 and 1 more transcripts); short protein forms Y290C.
Identifiers: ClinVar variation 4789733 (VCV004789733.1).

ClinVar aggregate classification (germline): Uncertain significance (1 of 4 stars; one submission).

Conditions:
Episodic ataxia type 2 (EA2). Also called: ACETAZOLAMIDE-RESPONSIVE HEREDITARY PAROXYSMAL CEREBELLAR ATAXIA; ATAXIA, EPISODIC, WITH NYSTAGMUS; ATAXIA, FAMILIAL PAROXYSMAL; CEREBELLAR ATAXIA, PAROXYSMAL, ACETAZOLAMIDE-RESPONSIVE; CEREBELLOPATHY, HEREDITARY PAROXYSMAL; EPISODIC ATAXIA, NYSTAGMUS-ASSOCIATED. Identifiers: Orphanet 97, MedGen C1720416, MONDO:0007163, OMIM 108500.
Developmental and epileptic encephalopathy, 42 (DEE42A). Also called: Epileptic encephalopathy, early infantile, 42; DEVELOPMENTAL AND EPILEPTIC ENCEPHALOPATHY 42A; EPILEPTIC ENCEPHALOPATHY, EARLY INFANTILE, 42A. Identifiers: MedGen C4310716, MONDO:0014917, OMIM 617106.

Submission:

Labcorp Genetics (formerly Invitae), Labcorp
Classification: Uncertain significance for Developmental and epileptic encephalopathy, 42; Episodic ataxia type 2. Last evaluated: 2025-04-21. Review status: criteria provided, single submitter. Criteria: Invitae Variant Classification Sherloc (09022015). Collection method: clinical testing. Allele origin: germline.
Comment: This sequence change replaces tyrosine, which is neutral and polar, with cysteine, which is neutral and slightly polar, at codon 290 of the CACNA1A protein (p.Tyr290Cys). This variant is not present in population databases (gnomAD no frequency). This variant has not been reported in the literature in individuals affected with CACNA1A-related conditions. Invitae Evidence Modeling of protein sequence and biophysical properties (such as structural, functional, and spatial information, amino acid conservation, physicochemical variation, residue mobility, and thermodynamic stability) indicates that this missense variant is expected to disrupt CACNA1A protein function with a positive predictive value of 95%. In summary, the available evidence is currently insufficient to determine the role of this variant in disease. Therefore, it has been classified as a Variant of Uncertain Significance.